The following is an entry in ClinVar:

NM_000426.4(LAMA2):c.623C>A (p.Pro208His)

Gene: LAMA2 (laminin subunit alpha 2; plus strand). Cytogenetic location: 6q22.33.
Variant type: single nucleotide variant.
Coding change: c.623C>A on transcript NM_000426.4 (MANE Select); coding-DNA position 623, C replaced by A.
Protein change: p.Pro208His; replaces proline 208 with histidine.
Molecular consequence: missense variant.
Genome position (GRCh38, 1-based): chr6:129,098,399, C>A. VCF-style: chr6-129098399-C-A. GRCh37 (hg19) VCF-style: chr6-129419544-C-A.
Other names: c.623C>A, p.Pro208His (NM_001079823.2); short protein forms P208H.
Identifiers: ClinVar variation 167238 (VCV000167238.23), dbSNP rs183890063, ClinGen allele CA234195.

ClinVar aggregate classification (germline): Conflicting classifications of pathogenicity. Review status: criteria provided, conflicting classifications (1 of 4 stars). 6 submissions from 6 submitters: Uncertain significance (5); Likely benign (1). Last evaluated 2026-01-26.

Conditions:
Inborn genetic diseases. Identifiers: MedGen C0950123, MeSH D030342.
LAMA2-related muscular dystrophy (LAMA2-RD). Also called: Laminin alpha 2-related dystrophy. Identifiers: MedGen C5679788, MONDO:0100228.

Allele frequency attached by ClinVar (database versions not stated): TOPMed 0.00009; ExAC 0.00010; gnomAD 0.00010; gnomAD exomes 0.00014 and 0.00018; 1000 Genomes Project 0.00040; 1000 Genomes Project 30x 0.00047.
gnomAD v4.1: 205 of 1,613,874 alleles (0.013%); highest among the groups gnomAD compares: Admixed American, 0.075%; no homozygotes.

Submissions (6):

Labcorp Genetics (formerly Invitae), Labcorp
Classification: Likely benign for LAMA2-related muscular dystrophy. Last evaluated: 2026-01-26. Review status: criteria provided, single submitter. Criteria: Invitae Variant Classification Sherloc (09022015). Collection method: clinical testing. Allele origin: germline.

Ambry Genetics
Classification: Uncertain significance for Inborn genetic diseases. Last evaluated: 2022-09-27. Review status: criteria provided, single submitter. Criteria: Ambry Variant Classification Scheme 2023. Collection method: clinical testing. Allele origin: germline.

Revvity Omics, Revvity
Classification: Uncertain significance. Last evaluated: 2021-04-22. Review status: criteria provided, single submitter. Criteria: ACMG Guidelines, 2015. Collection method: clinical testing. Allele origin: germline.

Mayo Clinic Laboratories, Mayo Clinic
Classification: Uncertain significance. Last evaluated: 2020-08-03. Review status: criteria provided, single submitter. Criteria: ACMG Guidelines, 2015. Collection method: clinical testing. Allele origin: germline. Observed: 1 variant allele.

GeneDx
Classification: Uncertain significance. Last evaluated: 2019-05-10. Review status: criteria provided, single submitter. Criteria: GeneDx Variant Classification Process June 2021. Collection method: clinical testing. Allele origin: germline. Affected: yes.
Comment: Has not been previously published as pathogenic or benign to our knowledge; In silico analysis, which includes protein predictors and evolutionary conservation, supports a deleterious effect

Eurofins Ntd Llc (ga)
Classification: Uncertain significance. Last evaluated: 2015-11-13. Review status: criteria provided, single submitter. Criteria: EGL Classification Definitions 2015. Collection method: clinical testing. Allele origin: germline. Observed: 2 variant alleles, 2 heterozygotes.

Literature cited by the submitters: PubMed 10611118 (cited by Ambry Genetics); PubMed 11938437 (cited by Ambry Genetics); PubMed 24611677 (cited by Ambry Genetics).